The following is an entry in ClinVar:

NM_001042492.3(NF1):c.2310_2319del (p.Ala771fs)

Gene: NF1 (neurofibromin 1; plus strand). Cytogenetic location: 17q11.2.
Variant type: Deletion.
Coding change: c.2310_2319del on transcript NM_001042492.3 (MANE Select); coding-DNA positions 2310 to 2319, 10 bases deleted (TGCAGGAAAC; older notation c.2310_2319delTGCAGGAAAC).
Protein change: p.Ala771fs; shifts the reading frame from alanine 771.
Molecular consequence: frameshift variant.
Genome position (GRCh38, 1-based): chr17:31,227,276-31,227,285, TGCAGGAAAC deleted; deleting any 10 consecutive bases within chr17:31,227,274-31,227,285 gives the same sequence; the c. name uses the placement nearest the transcript's 3' end. VCF-style (leftmost placement, unchanged base first): chr17-31227273-CACTGCAGGAA-C. GRCh37 (hg19) VCF-style: chr17-29554291-CACTGCAGGAA-C.
Other names: c.2310_2319delTGCAGGAAAC, p.Ala771Leufs (NM_000267.4); short protein forms A771fs.
Identifiers: ClinVar variation 1384654 (VCV001384654.6), dbSNP rs2151426968, ClinGen allele CA2573153273.
Genomic context (GRCh38, chr17:31,227,273, plus strand): 5'-CTTAGGAAGAGCAGCACTTCAGAAAAGAGTGATGGCACTGCTGAGGCGCATTGAGCATCC[CACTGCAGGAA>C]ACACTGAGGTATGCCCTTAGCAACAGAAACACCCCTCCCAGGCGCCCACCCTCAATTTGG-3'

ClinVar aggregate classification (germline): Pathogenic (1 of 4 stars; one submission).

Conditions:
Neurofibromatosis, type 1 (NF1). Also called: VON RECKLINGHAUSEN DISEASE; Peripheral type neurofibromatosis; Neurofibromatosis, type I; NEUROFIBROMATOSIS, TYPE I, SOMATIC. Identifiers: Orphanet 636, MedGen C0027831, MONDO:0018975, OMIM 162200. Disease mechanism: loss of function.

Submission:

Labcorp Genetics (formerly Invitae), Labcorp
Classification: Pathogenic for Neurofibromatosis, type 1. Last evaluated: 2020-10-28. Review status: criteria provided, single submitter. Criteria: Invitae Variant Classification Sherloc (09022015). Collection method: clinical testing. Allele origin: germline.
Comment: This sequence change creates a premature translational stop signal (p.Ala771Leufs*17) in the NF1 gene. It is expected to result in an absent or disrupted protein product. Loss-of-function variants in NF1 are known to be pathogenic (PMID: 10712197, 23913538). This variant is not present in population databases (ExAC no frequency). This variant has not been reported in the literature in individuals with NF1-related conditions. For these reasons, this variant has been classified as Pathogenic.

Literature cited by the submitters: PubMed 10712197; PubMed 23913538.